The following is an entry in ClinVar:

ClinVar aggregate classification (germline): Pathogenic/Likely pathogenic. Review status: criteria provided, multiple submitters, no conflicts (2 of 4 stars). 2 submissions from 2 submitters: Pathogenic (1); Likely pathogenic (1). Last evaluated 2023-02-13.

Conditions:
Marfan Syndrome/Loeys-Dietz Syndrome/Familial Thoracic Aortic Aneurysms and Dissections. Identifiers: MedGen CN229799.
Marfan syndrome (MFS). Also called: Marfan syndrome, classic; MARFAN SYNDROME, TYPE I; Marfan syndrome type 1; Marfan's syndrome; FBN1-Related Marfan Syndrome. Identifiers: Orphanet 284963, Orphanet 558, MedGen C0024796, MONDO:0007947, OMIM 154700.
Familial thoracic aortic aneurysm and aortic dissection (TAAD). Also called: Thoracic aortic aneurysms and dissections. Identifiers: Orphanet 91387, MedGen C4707243, MONDO:0019625.

Submissions (2):

Labcorp Genetics (formerly Invitae), Labcorp
Classification: Pathogenic for Marfan syndrome; Familial thoracic aortic aneurysm and aortic dissection. Last evaluated: 2023-02-13. Review status: criteria provided, single submitter. Criteria: Invitae Variant Classification Sherloc (09022015). Collection method: clinical testing. Allele origin: germline.
Comment: ClinVar contains an entry for this variant (Variation ID: 1677198). For these reasons, this variant has been classified as Pathogenic. This variant has not been reported in the literature in individuals affected with FBN1-related conditions. This variant is not present in population databases (gnomAD no frequency). This sequence change creates a premature translational stop signal (p.Leu17Phefs*37) in the FBN1 gene. It is expected to result in an absent or disrupted protein product. Loss-of-function variants in FBN1 are known to be pathogenic (PMID: 17657824, 19293843).

Women's Health and Genetics/Laboratory Corporation of America, LabCorp
Classification: Likely pathogenic for Marfan Syndrome/Loeys-Dietz Syndrome/Familial Thoracic Aortic Aneurysms and Dissections. Last evaluated: 2022-03-28. Review status: criteria provided, single submitter. Criteria: LabCorp Variant Classification Summary - May 2015. Collection method: clinical testing. Allele origin: germline.
Comment: Variant summary: FBN1 c.51_52delAG (p.Leu17PhefsX37) results in a premature termination codon, predicted to cause a truncation of the encoded protein or absence of the protein due to nonsense mediated decay, which are commonly known mechanisms for disease. Truncations downstream of this position have been classified as pathogenic by our laboratory. The variant was absent in 251270 control chromosomes. To our knowledge, no occurrence of c.51_52delAG in individuals affected with Marfan Syndrome and no experimental evidence demonstrating its impact on protein function have been reported. No clinical diagnostic laboratories have submitted clinical-significance assessments for this variant to ClinVar after 2014. Based on the evidence outlined above, the variant was classified as likely pathogenic.

Literature cited by the submitters: PubMed 17657824 (cited by Labcorp Genetics (formerly Invitae), Labcorp); PubMed 19293843 (cited by Labcorp Genetics (formerly Invitae), Labcorp).

NM_000138.5(FBN1):c.51_52del (p.Leu17fs)

Genes: FBN1 (fibrillin 1; minus strand), LOC130057019 (ATAC-STARR-seq lymphoblastoid silent region 6417; plus strand). Cytogenetic location: 15q21.1.
Variant type: Deletion.
Coding change: c.51_52del on transcript NM_000138.5 (MANE Select); coding-DNA positions 51 to 52, 2 bases deleted (AG; older notation c.51_52delAG).
Protein change: p.Leu17fs; shifts the reading frame from leucine 17.
Molecular consequence: frameshift variant.
Genome position (GRCh38, 1-based): chr15:48,644,718-48,644,719, CT deleted on the plus strand (AG on the coding strand, the reverse complement: FBN1 is on the minus strand). VCF-style (leftmost placement, unchanged base first): chr15-48644717-GCT-G. GRCh37 (hg19) VCF-style: chr15-48936914-GCT-G.
Other names: short protein forms L17fs.
Identifiers: ClinVar variation 1677198 (VCV001677198.4), dbSNP rs2140787769, ClinGen allele CA2573150835.